The following is an entry in ClinVar:

NM_001256627.2(BRSK2):c.832G>C (p.Glu278Gln)

Gene: BRSK2 (BR serine/threonine kinase 2; plus strand). Cytogenetic location: 11p15.5.
Variant type: single nucleotide variant.
Coding change: c.832G>C on transcript NM_001256627.2 (MANE Select); coding-DNA position 832, G replaced by C.
Protein change: p.Glu278Gln; replaces glutamic acid 278 with glutamine.
Molecular consequence: missense variant. On other transcripts: non-coding transcript variant (1).
Genome position (GRCh38, 1-based): chr11:1,445,313, G>C. VCF-style: chr11-1445313-G-C. GRCh37 (hg19) VCF-style: chr11-1466543-G-C.
Other names: c.832G>C, p.Glu278Gln (NM_001256629.2, NM_003957.4); c.970G>C, p.Glu324Gln (NM_001256630.1); c.652G>C, p.Glu218Gln (NM_001282218.2); short protein forms E218Q, E278Q, E324Q.
Identifiers: ClinVar variation 1303543 (VCV001303543.2), dbSNP rs748868217, ClinGen allele CA379060262.

ClinVar aggregate classification (germline): Uncertain significance (1 of 4 stars; one submission).

Submission:

GeneDx
Classification: Uncertain significance. Last evaluated: 2019-07-25. Review status: criteria provided, single submitter. Criteria: GeneDx Variant Classification Process June 2021. Collection method: clinical testing. Allele origin: germline. Affected: yes.
Comment: Not observed in large population cohorts (Lek et al., 2016); In silico analysis, which includes protein predictors and evolutionary conservation, supports that this variant does not alter protein structure/function; Has not been previously published as pathogenic or benign to our knowledge